The following is an entry in ClinVar:

NM_002691.4(POLD1):c.1489C>G (p.Leu497Val)

Gene: POLD1 (DNA polymerase delta 1, catalytic subunit; plus strand). Cytogenetic location: 19q13.33.
Variant type: single nucleotide variant.
Coding change: c.1489C>G on transcript NM_002691.4 (MANE Select); coding-DNA position 1489, C replaced by G.
Protein change: p.Leu497Val; replaces leucine 497 with valine.
Molecular consequence: missense variant. On other transcripts: non-coding transcript variant (1).
Genome position (GRCh38, 1-based): chr19:50,406,512, C>G. VCF-style: chr19-50406512-C-G. GRCh37 (hg19) VCF-style: chr19-50909769-C-G.
Other names: c.1489C>G, p.Leu497Val (NM_001256849.1, NM_001308632.1); short protein forms L497V.
Identifiers: ClinVar variation 3631183 (VCV003631183.2).

ClinVar aggregate classification (germline): Uncertain significance (1 of 4 stars; one submission).

Conditions:
POLD1-related polyposis and colorectal cancer syndrome (CRCS10). Also called: Colorectal cancer 10; COLORECTAL CANCER, SUSCEPTIBILITY TO, ON CHROMOSOME 19q; Colorectal cancer, susceptibility to, 10. Identifiers: Orphanet 220460, MedGen C2675481, MONDO:0012953, OMIM 612591.

Submission:

Labcorp Genetics (formerly Invitae), Labcorp
Classification: Uncertain significance for POLD1-related polyposis and colorectal cancer syndrome. Last evaluated: 2024-02-08. Review status: criteria provided, single submitter. Criteria: Invitae Variant Classification Sherloc (09022015). Collection method: clinical testing. Allele origin: germline.
Comment: This sequence change replaces leucine, which is neutral and non-polar, with valine, which is neutral and non-polar, at codon 497 of the POLD1 protein (p.Leu497Val). This variant is not present in population databases (gnomAD no frequency). This variant has not been reported in the literature in individuals affected with POLD1-related conditions. Advanced modeling of protein sequence and biophysical properties (such as structural, functional, and spatial information, amino acid conservation, physicochemical variation, residue mobility, and thermodynamic stability) performed at Invitae indicates that this missense variant is expected to disrupt POLD1 protein function with a positive predictive value of 80%. In summary, the available evidence is currently insufficient to determine the role of this variant in disease. Therefore, it has been classified as a Variant of Uncertain Significance.